The following is an entry in ClinVar:

ClinVar aggregate classification (germline): Benign/Likely benign. Review status: criteria provided, multiple submitters, no conflicts (2 of 4 stars). 7 submissions from 6 submitters: Benign (6); Likely benign (1). Last evaluated 2026-02-02.

Conditions:
Glucocorticoid-remediable aldosteronism. Also called: Hyperaldosteronism, familial, type I; FH I; GLUCOCORTICOID-SUPPRESSIBLE HYPERALDOSTERONISM; ACTH-DEPENDENT HYPERALDOSTERONISM SYNDROME; ALDOSTERONISM, SENSITIVE TO DEXAMETHASONE. Identifiers: Orphanet 403, MedGen C3838731, MONDO:0007080, OMIM 103900.
Deficiency of steroid 11-beta-monooxygenase (CYP11B1). Also called: Congenital adrenal hyperplasia due to 11-beta-hydroxylase deficiency; ADRENAL HYPERPLASIA, CONGENITAL, DUE TO STEROID 11-BETA-HYDROXYLASE DEFICIENCY; 11-BETA-HYDROXYLASE DEFICIENCY; P450C11B1 DEFICIENCY; STEROID 11-BETA-HYDROXYLASE DEFICIENCY; ADRENAL HYPERPLASIA IV. Identifiers: Orphanet 90795, MedGen C0268292, MONDO:0008729, OMIM 202010. Disease mechanism: loss of function.

Allele frequency attached by ClinVar (database versions not stated): gnomAD 0.05145 and 0.05537; TOPMed 0.05919; 1000 Genomes Project 0.06050; ESP Exome Variant Server 0.06066; 1000 Genomes Project 30x 0.06293.
gnomAD v4.1: 15,814 of 1,610,904 alleles (0.98%); highest among the groups gnomAD compares: African/African-American, 18%; 1,244 homozygotes.

Submissions (7):

Labcorp Genetics (formerly Invitae), Labcorp
Classification: Benign. Last evaluated: 2026-02-02. Review status: criteria provided, single submitter. Criteria: Invitae Variant Classification Sherloc (09022015). Collection method: clinical testing. Allele origin: germline.

Athena Diagnostics
Classification: Benign. Last evaluated: 2025-10-17. Review status: criteria provided, single submitter. Criteria: Athena Diagnostics Criteria. Collection method: clinical testing. Allele origin: unknown.
Comment: The frequency of this variant in the general population is higher than would generally be expected for pathogenic variants in this gene.

Blueprint Genetics
Classification: Likely benign. Last evaluated: 2024-11-26. Review status: criteria provided, single submitter. Criteria: ACMG Guidelines, 2015. Collection method: clinical testing. Allele origin: germline.

GeneDx
Classification: Benign. Last evaluated: 2019-11-25. Review status: criteria provided, single submitter. Criteria: GeneDx Variant Classification Process June 2021. Collection method: clinical testing. Allele origin: germline. Affected: yes.

Illumina Laboratory Services, Illumina
Classification: Benign for Glucocorticoid-remediable aldosteronism. Last evaluated: 2018-01-12. Review status: criteria provided, single submitter. Criteria: ICSL Variant Classification Criteria 13 December 2019. Collection method: clinical testing. Allele origin: germline.
Comment: This variant was observed in the ICSL laboratory as part of a predisposition screen in an ostensibly healthy population. It had not been previously curated by ICSL or reported in the Human Gene Mutation Database (HGMD: prior to June 1st, 2018), and was therefore a candidate for classification through an automated scoring system. Utilizing variant allele frequency, disease prevalence and penetrance estimates, and inheritance mode, an automated score was calculated to assess if this variant is too frequent to cause the disease. Based on the score and internal cut-off values, a variant classified as benign is not then subjected to further curation. The score for this variant resulted in a classification of benign for this disease.

Illumina Laboratory Services, Illumina
Classification: Benign for Deficiency of steroid 11-beta-monooxygenase. Last evaluated: 2018-01-12. Review status: criteria provided, single submitter. Criteria: ICSL Variant Classification Criteria 13 December 2019. Collection method: clinical testing. Allele origin: germline.
Comment: the same text as in the submission from Illumina Laboratory Services, Illumina above.

Breakthrough Genomics
Classification: Benign. Review status: criteria provided, single submitter. Criteria: ACMG Guidelines, 2015. Collection method: not provided. Allele origin: germline. Inheritance: Autosomal recessive inheritance. Affected: yes.

NM_000497.4(CYP11B1):c.800-14C>T

Genes: CYP11B1 (cytochrome P450 family 11 subfamily B member 1; minus strand), LOC106799833 (CYP11B1 recombination region; plus strand). Cytogenetic location: 8q24.3.
Variant type: single nucleotide variant.
Coding change: c.800-14C>T on transcript NM_000497.4 (MANE Select); 14 bases into the intron before coding-DNA position 800, C replaced by T.
Molecular consequence: intron variant.
Genome position (GRCh38, 1-based): chr8:142,876,409, G>A on the plus strand (C>T on the coding strand, the complement: CYP11B1 is on the minus strand). VCF-style: chr8-142876409-G-A. GRCh37 (hg19) VCF-style: chr8-143957825-G-A.
Other names: c.800-14C>T (NM_001026213.1).
Identifiers: ClinVar variation 362160 (VCV000362160.20), dbSNP rs4535, ClinGen allele CA4905304.
Genomic context (GRCh38, chr8:142,876,409, plus strand): 5'-GCGGCTGAAGGCCAGTTCCTGATAGATTTTCTGGATACAGTTGTCGCCTATCCGGGGAGC[G>A]GGAGGCAGCCCTCAGACTTTGGTGCTGGGAGACATCCTTCAGTGTCCTCCTCCTGCCCAG-3'